The following is an entry in ClinVar:

NM_005751.5(AKAP9):c.2368A>G (p.Met790Val)

Gene: AKAP9 (A-kinase anchoring protein 9; plus strand). Cytogenetic location: 7q21.2.
Variant type: single nucleotide variant.
Coding change: c.2368A>G on transcript NM_005751.5 (MANE Select); coding-DNA position 2368, A replaced by G.
Protein change: p.Met790Val; replaces methionine 790 with valine.
Molecular consequence: missense variant.
Genome position (GRCh38, 1-based): chr7:92,002,285, A>G. VCF-style: chr7-92002285-A-G. GRCh37 (hg19) VCF-style: chr7-91631599-A-G.
Other names: c.2368A>G, p.Met790Val (NM_147185.3); short protein forms M790V.
Identifiers: ClinVar variation 1432317 (VCV001432317.14), dbSNP rs776190475, ClinGen allele CA4336127.
Genomic context (GRCh38, chr7:92,002,285, plus strand): 5'-TTTGCACAACTTGAAGCAGAGAATAGCATTCTTAAAGATGAAAAGAAAACCCTTGAAGAC[A>G]TGTTGAAAATACATACTCCTGTTAGCCAAGAAGAAAGATTGATTTTCTTAGACTCCATTA-3'
Protein context (NP_005742.4, residues 780-800): LKDEKKTLED[Met790Val]LKIHTPVSQE

ClinVar aggregate classification (germline): Conflicting classifications of pathogenicity. Review status: criteria provided, conflicting classifications (1 of 4 stars). 3 submissions from 3 submitters: Uncertain significance (2); Likely benign (1). Last evaluated 2025-04-22.

Conditions:
Long QT syndrome 11 (LQT11). Identifiers: Orphanet 101016, Orphanet 768, MedGen C2678483, MONDO:0012738, OMIM 611820.
Long QT syndrome (LQTS). Identifiers: MedGen C0023976, MeSH D008133, MONDO:0002442. Disease mechanism: loss of function. Inheritance: Various modes of inheritance.
Cardiovascular phenotype. Identifiers: MedGen CN230736.

Allele frequency attached by ClinVar (database versions not stated): gnomAD exomes below 0.00001 and 0.00001; ExAC 0.00001; gnomAD 0.00001; TOPMed 0.00002.
gnomAD v4.1: 5 of 1,611,404 alleles (0.00031%); highest among the groups gnomAD compares: African/African-American, 0.004%; no homozygotes.

Submissions (3):

Ambry Genetics
Classification: Likely benign for Cardiovascular phenotype. Last evaluated: 2025-04-22. Review status: criteria provided, single submitter. Criteria: Ambry Variant Classification Scheme 2023. Collection method: clinical testing. Allele origin: germline.

Labcorp Genetics (formerly Invitae), Labcorp
Classification: Uncertain significance for Long QT syndrome. Last evaluated: 2023-06-22. Review status: criteria provided, single submitter. Criteria: Invitae Variant Classification Sherloc (09022015). Collection method: clinical testing. Allele origin: germline.
Comment: An algorithm developed to predict the effect of missense changes on protein structure and function (PolyPhen-2) suggests that this variant is likely to be tolerated. In summary, the available evidence is currently insufficient to determine the role of this variant in disease. Therefore, it has been classified as a Variant of Uncertain Significance. This sequence change replaces methionine, which is neutral and non-polar, with valine, which is neutral and non-polar, at codon 790 of the AKAP9 protein (p.Met790Val). This variant is present in population databases (rs776190475, gnomAD 0.008%). This variant has not been reported in the literature in individuals affected with AKAP9-related conditions. ClinVar contains an entry for this variant (Variation ID: 1432317).

Fulgent Genetics
Classification: Uncertain significance for Long QT syndrome 11. Last evaluated: 2021-08-27. Review status: criteria provided, single submitter. Criteria: ACMG Guidelines, 2015. Collection method: clinical testing. Allele origin: unknown.